The following is an entry in ClinVar:

ClinVar aggregate classification (germline): Uncertain significance (1 of 4 stars; one submission).

Submission:

Women's Health and Genetics/Laboratory Corporation of America, LabCorp
Classification: Uncertain significance. Last evaluated: 2026-04-22. Review status: criteria provided, single submitter. Criteria: LabCorp Variant Classification Summary - May 2015. Collection method: clinical testing. Allele origin: germline.
Comment: Variant summary: SOX2 c.-19G>A is located in the untranslated mRNA region upstream of the initiation codon. The variant was absent in 47772 control chromosomes. The available data on variant occurrences in the general population are insufficient to allow any conclusion about variant significance. To our knowledge, no occurrence of c.-19G>A in individuals affected with SOX2-related conditions and no experimental evidence demonstrating its impact on protein function have been reported. No submitters have cited clinical-significance assessments for this variant to ClinVar. Based on the evidence outlined above, the variant was classified as uncertain significance.

NM_003106.4(SOX2):c.-19G>A

Genes: SOX2 (SRY-box transcription factor 2; plus strand), SOX2-OT (SOX2 overlapping transcript; plus strand), LOC108281177 (SOX2 5' regulatory region; plus strand). Cytogenetic location: 3q26.33.
Variant type: single nucleotide variant.
Coding change: c.-19G>A on transcript NM_003106.4 (MANE Select); 19 bases upstream of the start codon, G replaced by A.
Molecular consequence: 5 prime UTR variant.
Genome position (GRCh38, 1-based): chr3:181,712,342, G>A. VCF-style: chr3-181712342-G-A. GRCh37 (hg19) VCF-style: chr3-181430130-G-A.
Identifiers: ClinVar variation 4849141 (VCV004849141.1).